The following is an entry in ClinVar:

ClinVar aggregate classification (germline): Uncertain significance. Review status: criteria provided, multiple submitters, no conflicts (2 of 4 stars). 2 submissions from 2 submitters: Uncertain significance (2). Last evaluated 2024-03-24.

Conditions:
Monosomy 7 myelodysplasia and leukemia syndrome 2. Identifiers: MedGen C5436668, MONDO:0030801, OMIM 619041.

Allele frequency attached by ClinVar (database versions not stated): gnomAD exomes 0.00001; ExAC 0.00004.
gnomAD v4.1: 7 of 1,613,806 alleles (0.00043%); highest among the groups gnomAD compares: Non-Finnish European, 0.00059%; no homozygotes.

Submissions (2):

Labcorp Genetics (formerly Invitae), Labcorp
Classification: Uncertain significance. Last evaluated: 2024-03-24. Review status: criteria provided, single submitter. Criteria: Invitae Variant Classification Sherloc (09022015). Collection method: clinical testing. Allele origin: germline.
Comment: This sequence change replaces asparagine, which is neutral and polar, with serine, which is neutral and polar, at codon 1546 of the SAMD9 protein (p.Asn1546Ser). This variant is present in population databases (rs780992178, gnomAD 0.005%). This variant has not been reported in the literature in individuals affected with SAMD9-related conditions. Advanced modeling of protein sequence and biophysical properties (such as structural, functional, and spatial information, amino acid conservation, physicochemical variation, residue mobility, and thermodynamic stability) performed at Invitae indicates that this missense variant is not expected to disrupt SAMD9 protein function with a negative predictive value of 95%. In summary, the available evidence is currently insufficient to determine the role of this variant in disease. Therefore, it has been classified as a Variant of Uncertain Significance.

St. Jude Molecular Pathology, St. Jude Children's Research Hospital
Classification: Uncertain significance for Monosomy 7 myelodysplasia and leukemia syndrome 2. Last evaluated: 2024-01-02. Review status: criteria provided, single submitter. Criteria: St. Jude Assertion Criteria 2020. Collection method: clinical testing. Allele origin: germline.
Comment: The SAMD9 c.4637A>G (p.Asn1546Ser) missense change has a maximum subpopulation frequency of 0.005% in gnomAD v2.1.1. The in silico tool REVEL predicts a benign effect on protein function; however, in silico predictions have not been found to correlate with syndromic risk for SAMD9 variants and are thus not considered supporting evidence of a pathogenic or benign effect (PMID: 34621053). To our knowledge, this variant has not been reported in individuals with SAMD9-associated conditions. In summary, the evidence currently available is insufficient to determine the clinical significance of this variant. It has therefore been classified as of uncertain significance.

NM_017654.4(SAMD9):c.4637A>G (p.Asn1546Ser)

Gene: SAMD9 (sterile alpha motif domain containing 9; minus strand). Cytogenetic location: 7q21.2.
Variant type: single nucleotide variant.
Coding change: c.4637A>G on transcript NM_017654.4 (MANE Select); coding-DNA position 4637, A replaced by G.
Protein change: p.Asn1546Ser; replaces asparagine 1546 with serine.
Molecular consequence: missense variant.
Genome position (GRCh38, 1-based): chr7:93,101,461, T>C on the plus strand (A>G on the coding strand, the complement: SAMD9 is on the minus strand). VCF-style: chr7-93101461-T-C. GRCh37 (hg19) VCF-style: chr7-92730774-T-C.
Other names: c.4637A>G, p.Asn1546Ser (NM_001193307.2); short protein forms N1546S.
Identifiers: ClinVar variation 2974993 (VCV002974993.4), dbSNP rs780992178, ClinGen allele CA4342519.
Genomic context (GRCh38, chr7:93,101,461, plus strand): 5'-CTTCTGCCACTTCTAAGTTGACCTAAAAAAGCGGGAGTGATGGGTATTGTGATTTTTTCA[T>C]TGATTCCATATTCTATATATAAACAATTGTTTTCAGCTCGACCTTGTAAACGAAGCAAAA-3'
Protein context (NP_060124.2, residues 1536-1556): NNCLYIEYGI[Asn1546Ser]EKITIPITPA